The following is an entry in ClinVar:

ClinVar aggregate classification (germline): Uncertain significance (1 of 4 stars; one submission).

Conditions:
Hereditary cancer-predisposing syndrome. Also called: Neoplastic Syndromes, Hereditary; Tumor predisposition; Hereditary Cancer Syndrome; Hereditary neoplastic syndrome. Identifiers: Orphanet 140162, MedGen C0027672, MeSH D009386, MONDO:0015356.

Submission:

Ambry Genetics
Classification: Uncertain significance for Hereditary cancer-predisposing syndrome. Last evaluated: 2026-03-03. Review status: criteria provided, single submitter. Criteria: Ambry Variant Classification Scheme 2023. Collection method: clinical testing. Allele origin: germline.
Comment: The p.R1323P variant (also known as c.3968G>C), located in coding exon 28 of the SMARCA4 gene, results from a G to C substitution at nucleotide position 3968. The arginine at codon 1323 is replaced by proline, an amino acid with dissimilar properties. This amino acid position is highly conserved in available vertebrate species. In addition, this alteration is predicted to be deleterious by in silico analysis. Based on the available evidence, the clinical significance of this variant remains unclear.

NM_003072.5(SMARCA4):c.3968G>C (p.Arg1323Pro)

Gene: SMARCA4 (SWI/SNF related BAF chromatin remodeling complex subunit ATPase 4; plus strand). Cytogenetic location: 19p13.2.
Variant type: single nucleotide variant.
Coding change: c.3968G>C on transcript NM_003072.5 (MANE Select); coding-DNA position 3968, G replaced by C.
Protein change: p.Arg1323Pro; replaces arginine 1323 with proline.
Molecular consequence: missense variant. On other transcripts: non-coding transcript variant (1).
Genome position (GRCh38, 1-based): chr19:11,034,930, G>C. VCF-style: chr19-11034930-G-C. GRCh37 (hg19) VCF-style: chr19-11145606-G-C.
Other names: c.3968G>C, p.Arg1323Pro (NM_001128844.3, NM_001128849.3, NM_001387283.1); c.3869G>C, p.Arg1290Pro (NM_001128845.2, NM_001128846.2, NM_001128847.4 and 3 more transcripts); short protein forms R1323P, R1290P.
Identifiers: ClinVar variation 4827333 (VCV004827333.1).